The following is an entry in ClinVar:

ClinVar aggregate classification (germline): Likely pathogenic (1 of 4 stars; one submission).

Conditions:
Primary dilated cardiomyopathy (DCM). Also called: Dilated Cardiomyopathy. Identifiers: Orphanet 217604, MedGen C0007193, MeSH D002311, MONDO:0005021, HP:0001644. Inheritance: Various modes of inheritance.

Submission:

Lildballe Lab, Aarhus University Hospital
Classification: Likely pathogenic for dilated cardiomyopathy. Last evaluated: 2024-03-01. Review status: criteria provided, single submitter. Criteria: ACMG Guidelines, 2015. Collection method: research. Allele origin: germline. Affected: yes.
Comment: PVS1(vs), PM2(sup)

Literature cited by the submitters: PubMed 25741927; PubMed 39481677.

NM_001267550.2(TTN):c.54853del (p.Thr18285fs)

Genes: TTN-AS1 (TTN antisense RNA 1; plus strand), TTN (titin; minus strand). Cytogenetic location: 2q31.2.
Variant type: Deletion.
Coding change: c.54853del on transcript NM_001267550.2 (MANE Select); coding-DNA position 54853, one base deleted (A; older notation c.54853delA).
Protein change: p.Thr18285fs; shifts the reading frame from threonine 18285.
Molecular consequence: frameshift variant.
Genome position (GRCh38, 1-based): chr2:178,602,549, T deleted on the plus strand (A on the coding strand, the reverse complement: TTN is on the minus strand); the first of 4 consecutive T bases (chr2:178,602,549-178,602,552); deleting any one gives the same sequence. VCF-style (leftmost placement, unchanged base first): chr2-178602548-GT-G. GRCh37 (hg19) VCF-style: chr2-179467275-GT-G.
Other names: c.49930del, p.Thr16644fs (NM_001256850.1); c.27658del, p.Thr9220fs (NM_003319.4); c.47149del, p.Thr15717fs (NM_133378.4); c.28033del, p.Thr9345fs (NM_133432.3); c.28234del, p.Thr9412fs (NM_133437.4); short protein forms T15717fs, T16644fs, T18285fs, T9220fs, T9345fs, T9412fs.
Identifiers: ClinVar variation 3338348 (VCV003338348.1).